The following is an entry in ClinVar:

GRCh37/hg19 13q21.1-21.32(chr13:59424409-65723208)

Genes: DIAPH3 (diaphanous related formin 3; minus strand), PCDH20 (protocadherin 20; minus strand), TDRD3 (tudor domain containing 3; plus strand). Cytogenetic location: 13q21.1-21.32.
Variant type: copy number gain.
Identifiers: ClinVar variation 625742 (VCV000625742.1).

ClinVar aggregate classification (germline): Pathogenic (1 of 4 stars; one submission).

Submission:

Baylor Genetics
Classification: Pathogenic. Last evaluated: 2018-11-01. Review status: criteria provided, single submitter. Criteria: ACMG CNV Guidelines, 2011. Collection method: clinical testing. Allele origin: maternal. Observed: 1 variant allele.